The following is an entry in ClinVar:

ClinVar aggregate classification (germline): Likely benign (1 of 4 stars; one submission).

Allele frequency attached by ClinVar (database versions not stated): ESP Exome Variant Server 0.00008; gnomAD 0.00041; gnomAD exomes 0.00059; 1000 Genomes Project 30x 0.00078; ExAC 0.00082.

Submission:

CeGaT Center for Human Genetics Tuebingen
Classification: Likely benign. Last evaluated: 2023-11-01. Review status: criteria provided, single submitter. Criteria: CeGaT Center For Human Genetics Tuebingen Variant Classification Criteria Version 2. Collection method: clinical testing. Allele origin: germline. Affected: yes. Observed: 1 variant allele.
Comment: FLG: BP4

NM_002016.2(FLG):c.8657G>A (p.Arg2886His)

Genes: CCDST (cervical cancer associated DHX9 suppressive transcript; plus strand), FLG (filaggrin; minus strand). Cytogenetic location: 1q21.3.
Variant type: single nucleotide variant.
Coding change: c.8657G>A on transcript NM_002016.2 (MANE Select); coding-DNA position 8657, G replaced by A.
Protein change: p.Arg2886His; replaces arginine 2886 with histidine.
Molecular consequence: missense variant.
Genome position (GRCh38, 1-based): chr1:152,306,229, C>T on the plus strand (G>A on the coding strand, the complement: FLG is on the minus strand). VCF-style: chr1-152306229-C-T. GRCh37 (hg19) VCF-style: chr1-152278705-C-T.
Other names: short protein forms R2886H.
Identifiers: ClinVar variation 2672352 (VCV002672352.23), dbSNP rs369659011, ClinGen allele CA1104098.